The following is an entry in ClinVar:

NM_001048174.2(MUTYH):c.960del (p.Trp321fs)

Gene: MUTYH (mutY DNA glycosylase; minus strand). Cytogenetic location: 1p34.1.
Variant type: Deletion.
Coding change: c.960del on transcript NM_001048174.2 (MANE Select); coding-DNA position 960, one base deleted (C; older notation c.960delC).
Protein change: p.Trp321fs; shifts the reading frame from tryptophan 321.
Molecular consequence: frameshift variant. On other transcripts: non-coding transcript variant (7).
Genome position (GRCh38, 1-based): chr1:45,331,803, G deleted on the plus strand (C on the coding strand, the reverse complement: MUTYH is on the minus strand); the first of 3 consecutive G bases (chr1:45,331,803-45,331,805); deleting any one gives the same sequence. VCF-style (leftmost placement, unchanged base first): chr1-45331802-AG-A. GRCh37 (hg19) VCF-style: chr1-45797474-AG-A.
Other names: c.960del, p.Trp321fs (NM_001048171.2, NM_001048173.2, NM_001293195.2 and 6 more transcripts); c.963del, p.Trp322fs (NM_001048172.2, NM_001407071.1, NM_001407078.1 and 1 more transcripts); c.1044del, p.Trp349fs (NM_001128425.2); c.1005del, p.Trp336fs (NM_001293190.2); c.993del, p.Trp332fs (NM_001293191.2, NM_001407069.1, NM_001407077.1); c.684del, p.Trp229fs (NM_001293192.2, NM_001293196.2, NM_001407091.1); c.615del, p.Trp206fs (NM_001350650.2, NM_001350651.2, NM_001407082.1); c.876del, p.Trp293fs (NM_001407075.1); and 5 more; short protein forms W206fs, W229fs, W293fs, W307fs, W308fs, W321fs, W322fs, W328fs.
Identifiers: ClinVar variation 2673999 (VCV002673999.1), dbSNP rs2524016687, ClinGen allele CA2695198014.

ClinVar aggregate classification (germline): Pathogenic (1 of 4 stars; one submission).

Conditions:
Familial adenomatous polyposis 2. Also called: COLORECTAL ADENOMATOUS POLYPOSIS, AUTOSOMAL RECESSIVE; ADENOMAS, MULTIPLE COLORECTAL, AUTOSOMAL RECESSIVE; FAP type 2; MUTYH Polyposis; MYH-associated polyposis; Adenomas, multiple colorectal. Identifiers: Orphanet 220460, Orphanet 247798, MedGen C3272841, MONDO:0012041, OMIM 608456.

Submission:

Myriad Genetics, Inc.
Classification: Pathogenic for Familial adenomatous polyposis 2. Last evaluated: 2023-11-27. Review status: criteria provided, single submitter. Criteria: Myriad Autosomal Dominant, Autosomal Recessive and X-Linked Classification Criteria (2023). Collection method: clinical testing. Allele origin: unknown.
Comment: This variant is considered pathogenic. This variant creates a frameshift predicted to result in premature protein truncation.